The following is an entry in ClinVar:

ClinVar aggregate classification (germline): Pathogenic (1 of 4 stars; one submission).

Submission:

Labcorp Genetics (formerly Invitae), Labcorp
Classification: Pathogenic. Last evaluated: 2025-05-12. Review status: criteria provided, single submitter. Criteria: Invitae Variant Classification Sherloc (09022015). Collection method: clinical testing. Allele origin: germline.
Comment: This sequence change creates a premature translational stop signal (p.Ala2693Profs*114) in the ZNF469 gene. While this is not anticipated to result in nonsense mediated decay, it is expected to disrupt the last 1233 amino acid(s) of the ZNF469 protein. This variant is not present in population databases (gnomAD no frequency). This variant has not been reported in the literature in individuals affected with ZNF469-related conditions. This variant disrupts a region of the ZNF469 protein in which other variant(s) (p.Pro3556Glnfs*136) have been determined to be pathogenic (PMID: 32671420). This suggests that this is a clinically significant region of the protein, and that variants that disrupt it are likely to be disease-causing. For these reasons, this variant has been classified as Pathogenic.

Literature cited by the submitters: PubMed 32671420.

NM_001367624.2(ZNF469):c.8157_8158del (p.Ala2721fs)

Gene: ZNF469 (zinc finger protein 469; plus strand). Cytogenetic location: 16q24.2.
Variant type: Deletion.
Coding change: c.8157_8158del on transcript NM_001367624.2 (MANE Select); coding-DNA positions 8157 to 8158, 2 bases deleted (TG; older notation c.8157_8158delTG).
Protein change: p.Ala2721fs; shifts the reading frame from alanine 2721.
Molecular consequence: frameshift variant.
Genome position (GRCh38, 1-based): chr16:88,435,627-88,435,628, TG deleted. VCF-style (leftmost placement, unchanged base first): chr16-88435626-CTG-C. GRCh37 (hg19) VCF-style: chr16-88502034-CTG-C.
Other names: short protein forms A2721fs.
Identifiers: ClinVar variation 4772516 (VCV004772516.1).